The following is an entry in ClinVar:

NM_002857.4(PEX19):c.5C>T (p.Ala2Val)

Gene: PEX19 (peroxisomal biogenesis factor 19; minus strand). Cytogenetic location: 1q23.2.
Variant type: single nucleotide variant.
Coding change: c.5C>T on transcript NM_002857.4 (MANE Select); coding-DNA position 5, C replaced by T.
Protein change: p.Ala2Val; replaces alanine 2 with valine.
Molecular consequence: missense variant. On other transcripts: non-coding transcript variant (2).
Genome position (GRCh38, 1-based): chr1:160,285,120, G>A on the plus strand (C>T on the coding strand, the complement: PEX19 is on the minus strand). VCF-style: chr1-160285120-G-A. GRCh37 (hg19) VCF-style: chr1-160254910-G-A.
Other names: c.5C>T, p.Ala2Val (NM_001193644.1); short protein forms A2V.
Identifiers: ClinVar variation 1514640 (VCV001514640.6), dbSNP rs1307265959, ClinGen allele CA343266240.

ClinVar aggregate classification (germline): Uncertain significance (1 of 4 stars; one submission).

Conditions:
Peroxisome biogenesis disorder 12A (Zellweger). Also called: Peroxisome biogenesis disorder 12A. Identifiers: Orphanet 912, MedGen C3554002, MONDO:0013951, OMIM 614886.

Allele frequency attached by ClinVar (database versions not stated): gnomAD exomes below 0.00001.
gnomAD v4.1: 2 of 1,613,330 alleles (0.00012%); highest among the groups gnomAD compares: Admixed American, 0.0017%; no homozygotes.

Submission:

Labcorp Genetics (formerly Invitae), Labcorp
Classification: Uncertain significance for Peroxisome biogenesis disorder 12A (Zellweger). Last evaluated: 2022-08-09. Review status: criteria provided, single submitter. Criteria: Invitae Variant Classification Sherloc (09022015). Collection method: clinical testing. Allele origin: germline.
Comment: ClinVar contains an entry for this variant (Variation ID: 1514640). Algorithms developed to predict the effect of missense changes on protein structure and function are either unavailable or do not agree on the potential impact of this missense change (SIFT: "Tolerated"; PolyPhen-2: "Possibly Damaging"; Align-GVGD: "Class C0"). This variant has not been reported in the literature in individuals affected with PEX19-related conditions. This variant is present in population databases (no rsID available, gnomAD 0.0009%). This sequence change replaces alanine, which is neutral and non-polar, with valine, which is neutral and non-polar, at codon 2 of the PEX19 protein (p.Ala2Val). In summary, the available evidence is currently insufficient to determine the role of this variant in disease. Therefore, it has been classified as a Variant of Uncertain Significance.